The following is an entry in ClinVar:

ClinVar aggregate classification (germline): Pathogenic (1 of 4 stars; one submission).

Submission:

Labcorp Genetics (formerly Invitae), Labcorp
Classification: Pathogenic. Last evaluated: 2022-05-27. Review status: criteria provided, single submitter. Criteria: Invitae Variant Classification Sherloc (09022015). Collection method: clinical testing. Allele origin: germline.
Comment: For these reasons, this variant has been classified as Pathogenic. This variant disrupts a region of the RUNX2 protein in which other variant(s) (Deletion (Exons 3-6)) have been determined to be pathogenic (PMID: 20648631). This suggests that this is a clinically significant region of the protein, and that variants that disrupt it are likely to be disease-causing. This variant has not been reported in the literature in individuals affected with RUNX2-related conditions. This variant is a gross deletion of the genomic region encompassing exon(s) 3-7 of the RUNX2 gene. This variant would be expected to be in-frame, preserving the integrity of the reading frame.

Literature cited by the submitters: PubMed 20648631.

NC_000006.11:g.(?_45389289)_(45480164_?)del

Gene: RUNX2 (RUNX family transcription factor 2; plus strand). Cytogenetic location: 6p21.1.
Variant type: Deletion.
Identifiers: ClinVar variation 2423488 (VCV002423488.4).